The following is an entry in ClinVar:

NM_005221.6(DLX5):c.68C>T (p.Thr23Met)

Gene: DLX5 (distal-less homeobox 5; minus strand). Cytogenetic location: 7q21.3.
Variant type: single nucleotide variant.
Coding change: c.68C>T on transcript NM_005221.6 (MANE Select); coding-DNA position 68, C replaced by T.
Protein change: p.Thr23Met; replaces threonine 23 with methionine.
Molecular consequence: missense variant.
Genome position (GRCh38, 1-based): chr7:97,024,556, G>A on the plus strand (C>T on the coding strand, the complement: DLX5 is on the minus strand). VCF-style: chr7-97024556-G-A. GRCh37 (hg19) VCF-style: chr7-96653868-G-A.
Other names: short protein forms T23M.
Identifiers: ClinVar variation 4687540 (VCV004687540.1).

ClinVar aggregate classification (germline): Uncertain significance (1 of 4 stars; one submission).

Submission:

Women's Health and Genetics/Laboratory Corporation of America, LabCorp
Classification: Uncertain significance. Last evaluated: 2025-10-06. Review status: criteria provided, single submitter. Criteria: LabCorp Variant Classification Summary - May 2015. Collection method: clinical testing. Allele origin: germline.
Comment: Variant summary: DLX5 c.68C>T (p.Thr23Met) results in a non-conservative amino acid change in the encoded protein sequence. Algorithms developed to predict the effect of missense changes on protein structure and function are either unavailable or do not agree on the potential impact of this missense change. The variant was absent in 251186 control chromosomes. The available data on variant occurrences in the general population are insufficient to allow any conclusion about variant significance. To our knowledge, no occurrence of c.68C>T in individuals affected with DLX5-related conditions and no experimental evidence demonstrating its impact on protein function have been reported. No submitters have cited clinical-significance assessments for this variant to ClinVar. Based on the evidence outlined above, the variant was classified as uncertain significance.